The following is an entry in ClinVar:

NM_000551.4(VHL):c.241_244dup (p.Arg82fs)

Gene: VHL (von Hippel-Lindau tumor suppressor; plus strand). Cytogenetic location: 3p25.3.
Variant type: Duplication.
Coding change: c.241_244dup on transcript NM_000551.4 (MANE Select); coding-DNA positions 241 to 244, 4 bases duplicated (CCGC; older notation c.241_244dupCCGC).
Protein change: p.Arg82fs; shifts the reading frame from arginine 82.
Molecular consequence: frameshift variant.
Genome position (GRCh38, 1-based): chr3:10,142,088-10,142,091, CCGC duplicated. VCF-style (leftmost placement, unchanged base first): chr3-10142087-T-TCCGC. GRCh37 (hg19) VCF-style: chr3-10183771-T-TCCGC.
Other names: c.241_244dup, p.Arg82fs (NM_001354723.2, NM_198156.3); short protein forms R82fs.
Identifiers: ClinVar variation 1072069 (VCV001072069.7), dbSNP rs2125125103, ClinGen allele CA2499216350.

ClinVar aggregate classification (germline): Pathogenic (1 of 4 stars; one submission).

Conditions:
Chuvash polycythemia. Also called: POLYCYTHEMIA, VHL-DEPENDENT. Identifiers: Orphanet 238557, MedGen C1837915, MONDO:0009892, OMIM 263400.
Von Hippel-Lindau syndrome (VHLS). Also called: Von Hippel-Lindau; von Hippel–Lindau syndrome; VHL syndrome. Identifiers: Orphanet 892, MedGen C0019562, MONDO:0008667, OMIM 193300. Disease mechanism: loss of function.

Submission:

Labcorp Genetics (formerly Invitae), Labcorp
Classification: Pathogenic for Von Hippel-Lindau syndrome; Chuvash polycythemia. Last evaluated: 2023-11-01. Review status: criteria provided, single submitter. Criteria: Invitae Variant Classification Sherloc (09022015). Collection method: clinical testing. Allele origin: germline.
Comment: This sequence change creates a premature translational stop signal (p.Arg82Profs*51) in the VHL gene. It is expected to result in an absent or disrupted protein product. Loss-of-function variants in VHL are known to be pathogenic (PMID: 8956040, 12202531). This variant is not present in population databases (gnomAD no frequency). This variant has not been reported in the literature in individuals affected with VHL-related conditions. ClinVar contains an entry for this variant (Variation ID: 1072069). For these reasons, this variant has been classified as Pathogenic.

Literature cited by the submitters: PubMed 8956040; PubMed 12202531.